The following is an entry in ClinVar:

ClinVar aggregate classification (germline): Uncertain significance. Review status: criteria provided, multiple submitters, no conflicts (2 of 4 stars). 2 submissions from 2 submitters: Uncertain significance (2). Last evaluated 2025-07-08.

Conditions:
Pontocerebellar hypoplasia type 1A (PCH1A). Also called: PONTOCEREBELLAR HYPOPLASIA WITH ANTERIOR HORN CELL DISEASE; PONTOCEREBELLAR HYPOPLASIA WITH INFANTILE SPINAL MUSCULAR ATROPHY. Identifiers: Orphanet 2254, Orphanet 88616, MedGen C1843504, MONDO:0011866, OMIM 607596.

Allele frequency attached by ClinVar (database versions not stated): gnomAD exomes below 0.00001.
gnomAD v4.1: 1 of 1,613,660 alleles (0.000062%); highest among the groups gnomAD compares: Non-Finnish European, 0.000085%; no homozygotes.

Submissions (2):

GeneDx
Classification: Uncertain significance. Last evaluated: 2025-07-08. Review status: criteria provided, single submitter. Criteria: GeneDx Variant Classification Process June 2021. Collection method: clinical testing. Allele origin: germline. Affected: yes.
Comment: Not observed at significant frequency in large population cohorts (gnomAD); Missense variants in this gene are a common cause of disease and they are underrepresented in the general population; In silico analysis suggests that this missense variant does not alter protein structure/function; Has not been previously published as pathogenic or benign to our knowledge

Labcorp Genetics (formerly Invitae), Labcorp
Classification: Uncertain significance for Pontocerebellar hypoplasia type 1A. Last evaluated: 2022-02-21. Review status: criteria provided, single submitter. Criteria: Invitae Variant Classification Sherloc (09022015). Collection method: clinical testing. Allele origin: germline.
Comment: This sequence change replaces glutamine, which is neutral and polar, with lysine, which is basic and polar, at codon 45 of the VRK1 protein (p.Gln45Lys). This variant is not present in population databases (gnomAD no frequency). In summary, the available evidence is currently insufficient to determine the role of this variant in disease. Therefore, it has been classified as a Variant of Uncertain Significance. Algorithms developed to predict the effect of missense changes on protein structure and function (SIFT, PolyPhen-2, Align-GVGD) all suggest that this variant is likely to be tolerated. This variant has not been reported in the literature in individuals affected with VRK1-related conditions.

NM_003384.3(VRK1):c.133C>A (p.Gln45Lys)

Gene: VRK1 (VRK serine/threonine kinase 1; plus strand). Cytogenetic location: 14q32.2.
Variant type: single nucleotide variant.
Coding change: c.133C>A on transcript NM_003384.3 (MANE Select); coding-DNA position 133, C replaced by A.
Protein change: p.Gln45Lys; replaces glutamine 45 with lysine.
Molecular consequence: missense variant.
Genome position (GRCh38, 1-based): chr14:96,833,604, C>A. VCF-style: chr14-96833604-C-A. GRCh37 (hg19) VCF-style: chr14-97299941-C-A.
Other names: c.133C>A (NM_003384.2); c.133C>A, p.Gln45Lys (NM_001411051.1, NM_001411053.1); short protein forms Q45K.
Identifiers: ClinVar variation 2100902 (VCV002100902.5), dbSNP rs2139748921, ClinGen allele CA390931129.
Genomic context (GRCh38, chr14:96,833,604, plus strand): 5'-GTTGGAGAGATAATAACTGACATGGCAAAAAAGGAATGGAAAGTAGGATTACCCATTGGC[C>A]AAGGAGGCTTTGGCTGTATATATCTTGGTAAGTGTGTGACTGCTTCTAATGATCAATCCA-3'
Protein context (NP_003375.1, residues 35-55): KEWKVGLPIG[Gln45Lys]GGFGCIYLAD